The following is an entry in ClinVar:

NM_000038.6(APC):c.1753C>G (p.Leu585Val)

Gene: APC (APC regulator of Wnt signaling pathway; plus strand). Cytogenetic location: 5q22.2.
Variant type: single nucleotide variant.
Coding change: c.1753C>G on transcript NM_000038.6 (MANE Select); coding-DNA position 1753, C replaced by G.
Protein change: p.Leu585Val; replaces leucine 585 with valine.
Molecular consequence: missense variant. On other transcripts: non-coding transcript variant (2).
Genome position (GRCh38, 1-based): chr5:112,834,960, C>G. VCF-style: chr5-112834960-C-G. GRCh37 (hg19) VCF-style: chr5-112170657-C-G.
Other names: c.601C>G, p.Leu201Val (NM_001407472.1, NM_001407471.1); c.1480C>G, p.Leu494Val (NM_001354902.2); c.1450C>G, p.Leu484Val (NM_001354903.2, NM_001407458.1, NM_001407459.1 and 1 more transcripts); c.1375C>G, p.Leu459Val (NM_001354904.2); c.1273C>G, p.Leu425Val (NM_001354905.2); c.904C>G, p.Leu302Val (NM_001354906.2, NM_001407470.1); c.1837C>G, p.Leu613Val (NM_001407446.1); c.1807C>G, p.Leu603Val (NM_001407447.1, NM_001407448.1, NM_001407449.1 and 1 more transcripts); and 11 more; short protein forms L544V, L560V, L575V, L201V, L425V, L456V, L494V, L502V.
Identifiers: ClinVar variation 4120754 (VCV004120754.1).

ClinVar aggregate classification (germline): Uncertain significance (1 of 4 stars; one submission).

Conditions:
Hereditary cancer-predisposing syndrome. Also called: Hereditary neoplastic syndrome; Neoplastic Syndromes, Hereditary; Tumor predisposition; Hereditary Cancer Syndrome. Identifiers: Orphanet 140162, MedGen C0027672, MeSH D009386, MONDO:0015356.

Submission:

Ambry Genetics
Classification: Uncertain significance for Hereditary cancer-predisposing syndrome. Last evaluated: 2025-07-16. Review status: criteria provided, single submitter. Criteria: Ambry Variant Classification Scheme 2023. Collection method: clinical testing. Allele origin: germline.
Comment: The p.L585V variant (also known as c.1753C>G), located in coding exon 14 of the APC gene, results from a C to G substitution at nucleotide position 1753. The leucine at codon 585 is replaced by valine, an amino acid with highly similar properties. This amino acid position is highly conserved in available vertebrate species. In addition, in silico predictors for this gene do not accurately predict pathogenicity. Missense alterations in APC are not a common cause of disease (Spier I et al. Genet Med. 2024 Feb;26(2):100992). Based on the available evidence, the clinical significance of this variant remains unclear.